The following is an entry in ClinVar:

NM_006924.5(SRSF1):c.91G>A (p.Asp31Asn)

Gene: SRSF1 (serine and arginine rich splicing factor 1; minus strand). Cytogenetic location: 17q22.
Variant type: single nucleotide variant.
Coding change: c.91G>A on transcript NM_006924.5 (MANE Select); coding-DNA position 91, G replaced by A.
Protein change: p.Asp31Asn; replaces aspartic acid 31 with asparagine.
Molecular consequence: missense variant. On other transcripts: non-coding transcript variant (2).
Genome position (GRCh38, 1-based): chr17:58,007,047, C>T on the plus strand (G>A on the coding strand, the complement: SRSF1 is on the minus strand). VCF-style: chr17-58007047-C-T. GRCh37 (hg19) VCF-style: chr17-56084408-C-T.
Other names: c.91G>A, p.Asp31Asn (NM_001078166.2); short protein forms D31N.
Identifiers: ClinVar variation 3962350 (VCV003962350.2).

ClinVar aggregate classification (germline): Uncertain significance (1 of 4 stars; one submission).

Conditions:
Inborn genetic diseases. Identifiers: MedGen C0950123, MeSH D030342.

Submission:

Ambry Genetics
Classification: Uncertain significance for Inborn genetic diseases. Last evaluated: 2025-09-23. Review status: criteria provided, single submitter. Criteria: Ambry Variant Classification Scheme 2023. Collection method: clinical testing. Allele origin: germline.
Comment: The c.91G>A (p.D31N) alteration is located in exon 1 (coding exon 1) of the SRSF1 gene. This alteration results from a G to A substitution at nucleotide position 91, causing the aspartic acid (D) at amino acid position 31 to be replaced by an asparagine (N). This variant was not reported in population-based cohorts in the Genome Aggregation Database (gnomAD). This amino acid position is highly conserved in available vertebrate species. This alteration is predicted to be tolerated by in silico analysis. Based on insufficient or conflicting evidence, the clinical significance of this alteration remains unclear.